The following is an entry in ClinVar:

NM_001365536.1(SCN9A):c.2128T>C (p.Cys710Arg)

Genes: SCN9A (sodium voltage-gated channel alpha subunit 9; minus strand), SCN1A-AS1 (SCN1A and SCN9A antisense RNA 1; plus strand). Cytogenetic location: 2q24.3.
Variant type: single nucleotide variant.
Coding change: c.2128T>C on transcript NM_001365536.1 (MANE Select); coding-DNA position 2128, T replaced by C.
Protein change: p.Cys710Arg; replaces cysteine 710 with arginine.
Molecular consequence: missense variant.
Genome position (GRCh38, 1-based): chr2:166,280,572, A>G on the plus strand (T>C on the coding strand, the complement: SCN9A is on the minus strand). VCF-style: chr2-166280572-A-G. GRCh37 (hg19) VCF-style: chr2-167137082-A-G.
Other names: c.2095T>C, p.Cys699Arg (NM_002977.4); short protein forms C699R, C710R.
Identifiers: ClinVar variation 471094 (VCV000471094.3), dbSNP rs766287092, ClinGen allele CA1944325.

ClinVar aggregate classification (germline): Uncertain significance (1 of 4 stars; one submission).

Conditions:
Neuropathy, hereditary sensory and autonomic, type 2A (HSAN2A). Also called: ACROOSTEOLYSIS, NEUROGENIC; ACROOSTEOLYSIS, GIACCAI TYPE; MORVAN DISEASE; NEUROPATHY, CONGENITAL SENSORY; NEUROPATHY, HEREDITARY SENSORY RADICULAR, AUTOSOMAL RECESSIVE; NEUROPATHY, HEREDITARY SENSORY, TYPE IIA. Identifiers: Orphanet 970, MedGen C2752089, MONDO:0024309, OMIM 201300.
Generalized epilepsy with febrile seizures plus, type 7 (GEFSP7). Also called: GEFS+, TYPE 7. Identifiers: Orphanet 36387, MedGen C2751778, MONDO:0013470, OMIM 613863.

Allele frequency attached by ClinVar (database versions not stated): gnomAD exomes below 0.00001 and 0.00001; ExAC 0.00002.
gnomAD v4.1: 9 of 1,582,584 alleles (0.00057%); highest among the groups gnomAD compares: Non-Finnish European, 0.00069%; no homozygotes.

Submission:

Labcorp Genetics (formerly Invitae), Labcorp
Classification: Uncertain significance for Neuropathy, hereditary sensory and autonomic, type 2A; Generalized epilepsy with febrile seizures plus, type 7. Last evaluated: 2024-10-24. Review status: criteria provided, single submitter. Criteria: Invitae Variant Classification Sherloc (09022015). Collection method: clinical testing. Allele origin: germline.
Comment: This sequence change replaces cysteine, which is neutral and slightly polar, with arginine, which is basic and polar, at codon 699 of the SCN9A protein (p.Cys699Arg). The frequency data for this variant in the population databases is considered unreliable, as metrics indicate poor data quality at this position in the gnomAD database. This variant has not been reported in the literature in individuals affected with SCN9A-related conditions. ClinVar contains an entry for this variant (Variation ID: 471094). Invitae Evidence Modeling of protein sequence and biophysical properties (such as structural, functional, and spatial information, amino acid conservation, physicochemical variation, residue mobility, and thermodynamic stability) indicates that this missense variant is not expected to disrupt SCN9A protein function with a negative predictive value of 95%. In summary, the available evidence is currently insufficient to determine the role of this variant in disease. Therefore, it has been classified as a Variant of Uncertain Significance.